The following is an entry in ClinVar:

ClinVar aggregate classification (germline): Uncertain significance (1 of 4 stars; one submission).

Submission:

Labcorp Genetics (formerly Invitae), Labcorp
Classification: Uncertain significance. Last evaluated: 2025-10-14. Review status: criteria provided, single submitter. Criteria: Invitae Variant Classification Sherloc (09022015). Collection method: clinical testing. Allele origin: germline.
Comment: This sequence change replaces methionine, which is neutral and non-polar, with threonine, which is neutral and polar, at codon 140 of the HOXB13 protein (p.Met140Thr). This variant is not present in population databases (gnomAD no frequency). This variant has not been reported in the literature in individuals affected with HOXB13-related conditions. Invitae Evidence Modeling of protein sequence and biophysical properties (such as structural, functional, and spatial information, amino acid conservation, physicochemical variation, residue mobility, and thermodynamic stability) indicates that this missense variant is not expected to disrupt HOXB13 protein function with a negative predictive value of 80%. In summary, the available evidence is currently insufficient to determine the role of this variant in disease. Therefore, it has been classified as a Variant of Uncertain Significance.

NM_006361.6(HOXB13):c.419T>C (p.Met140Thr)

Gene: HOXB13 (homeobox B13; minus strand). Cytogenetic location: 17q21.32.
Variant type: single nucleotide variant.
Coding change: c.419T>C on transcript NM_006361.6 (MANE Select); coding-DNA position 419, T replaced by C.
Protein change: p.Met140Thr; replaces methionine 140 with threonine.
Molecular consequence: missense variant.
Genome position (GRCh38, 1-based): chr17:48,728,175, A>G on the plus strand (T>C on the coding strand, the complement: HOXB13 is on the minus strand). VCF-style: chr17-48728175-A-G. GRCh37 (hg19) VCF-style: chr17-46805537-A-G.
Other names: short protein forms M140T.
Identifiers: ClinVar variation 4699649 (VCV004699649.1).